The following is an entry in ClinVar:

NM_015294.6(TRIM37):c.2380_2383del (p.Ser794fs)

Gene: TRIM37 (tripartite motif containing 37; minus strand). Cytogenetic location: 17q22.
Variant type: Microsatellite.
Coding change: c.2380_2383del on transcript NM_015294.6 (MANE Select); coding-DNA positions 2380 to 2383, 4 bases deleted (TCTG; older notation c.2380_2383delTCTG).
Protein change: p.Ser794fs; shifts the reading frame from serine 794.
Molecular consequence: frameshift variant. On other transcripts: non-coding transcript variant (2).
Genome position (GRCh38, 1-based): chr17:59,017,299-59,017,302, CAGA deleted on the plus strand (TCTG on the coding strand, the reverse complement: TRIM37 is on the minus strand); deleting any 4 consecutive bases within chr17:59,017,299-59,017,306 gives the same sequence; the c. name uses the placement nearest the transcript's 3' end. VCF-style (leftmost placement, unchanged base first): chr17-59017298-TCAGA-T. GRCh37 (hg19) VCF-style: chr17-57094659-TCAGA-T.
Other names: c.2380_2383del, p.Ser794fs (NM_001005207.5, NM_001320988.3, NM_001320989.3 and 1 more transcripts); c.2278_2281del, p.Ser760fs (NM_001320987.3, NM_001353082.2); c.2014_2017del, p.Ser672fs (NM_001320990.3); c.1645_1648del, p.Ser549fs (NM_001353083.2); c.1918_1921del, p.Ser640fs (NM_001353085.2); c.2329_2332del, p.Ser777fs (NM_001353086.2); short protein forms S549fs, S640fs, S672fs, S760fs, S777fs, S794fs.
Identifiers: ClinVar variation 2679269 (VCV002679269.5), dbSNP rs2544996471, ClinGen allele CA2576336895.

ClinVar aggregate classification (germline): Pathogenic/Likely pathogenic. Review status: criteria provided, multiple submitters, no conflicts (2 of 4 stars). 2 submissions from 2 submitters: Pathogenic (1); Likely pathogenic (1). Last evaluated 2023-12-13.

Conditions:
Mulibrey nanism syndrome. Also called: MUSCLE-LIVER-BRAIN-EYE NANISM; PERHEENTUPA SYNDROME; PERICARDIAL CONSTRICTION AND GROWTH FAILURE. Identifiers: Orphanet 2576, MedGen C0524582, MONDO:0009664, OMIM 253250.

Submissions (2):

Baylor Genetics
Classification: Likely pathogenic for Mulibrey nanism syndrome. Last evaluated: 2023-12-13. Review status: criteria provided, single submitter. Criteria: ACMG Guidelines, 2015. Collection method: clinical testing. Allele origin: unknown.

Labcorp Genetics (formerly Invitae), Labcorp
Classification: Pathogenic. Last evaluated: 2023-10-18. Review status: criteria provided, single submitter. Criteria: Invitae Variant Classification Sherloc (09022015). Collection method: clinical testing. Allele origin: germline.
Comment: This sequence change creates a premature translational stop signal (p.Ser794Lysfs*19) in the TRIM37 gene. It is expected to result in an absent or disrupted protein product. Loss-of-function variants in TRIM37 are known to be pathogenic (PMID: 10888877, 15108285). This variant is not present in population databases (gnomAD no frequency). This variant has not been reported in the literature in individuals affected with TRIM37-related conditions. For these reasons, this variant has been classified as Pathogenic.

Literature cited by the submitters: PubMed 10888877 (cited by Labcorp Genetics (formerly Invitae), Labcorp); PubMed 15108285 (cited by Labcorp Genetics (formerly Invitae), Labcorp).